The following is an entry in ClinVar:

ClinVar aggregate classification (germline): Uncertain significance. Review status: criteria provided, multiple submitters, no conflicts (2 of 4 stars). 2 submissions from 2 submitters: Uncertain significance (2). Last evaluated 2024-11-18.

Submissions (2):

Labcorp Genetics (formerly Invitae), Labcorp
Classification: Uncertain significance. Last evaluated: 2024-11-18. Review status: criteria provided, single submitter. Criteria: Invitae Variant Classification Sherloc (09022015). Collection method: clinical testing. Allele origin: germline.
Comment: This sequence change replaces asparagine, which is neutral and polar, with tyrosine, which is neutral and polar, at codon 440 of the KCNV2 protein (p.Asn440Tyr). Information on the frequency of this variant in the gnomAD database is not available, as this variant may be reported differently in the database. This variant has not been reported in the literature in individuals affected with KCNV2-related conditions. ClinVar contains an entry for this variant (Variation ID: 1404666). Experimental studies and prediction algorithms are not available or were not evaluated, and the functional significance of this variant is currently unknown. In summary, the available evidence is currently insufficient to determine the role of this variant in disease. Therefore, it has been classified as a Variant of Uncertain Significance.

Blueprint Genetics
Classification: Uncertain significance. Last evaluated: 2022-04-09. Review status: criteria provided, single submitter. Criteria: ACMG Guidelines, 2015. Collection method: clinical testing. Allele origin: germline.

NM_133497.4(KCNV2):c.1317_1318delinsTT (p.Asn440Tyr)

Gene: KCNV2 (potassium voltage-gated channel modifier subfamily V member 2; plus strand). Cytogenetic location: 9p24.2.
Variant type: Indel.
Coding change: c.1317_1318delinsTT on transcript NM_133497.4 (MANE Select); coding-DNA positions 1317 to 1318, CA replaced by TT.
Protein change: p.Asn440Tyr; replaces asparagine 440 with tyrosine.
Molecular consequence: missense variant.
Genome position (GRCh38, 1-based): chr9:2,719,056-2,719,057, CA replaced by TT. VCF-style: chr9-2719056-CA-TT. GRCh37 (hg19) VCF-style: chr9-2719056-CA-TT.
Other names: short protein forms N440Y.
Identifiers: ClinVar variation 1404666 (VCV001404666.5), dbSNP rs2130862054, ClinGen allele CA2573144442.
Genomic context (GRCh38, chr9:2,719,056, plus strand): 5'-CATGGGCATCTTCACTTTCTCTGCGGCTGTCTACTCTGTGGAGCACGATGTGCCCAGCAC[CA>TT]ACTTCACTACCATCCCCCACTCCTGGTGGTGGGCCGCGGTGAGTACCTTTGCCCTGGGCT-3'
Protein context (NP_598004.1, residues 430-450): YSVEHDVPST[Asn440Tyr]FTTIPHSWWW